The following is an entry in ClinVar:

ClinVar aggregate classification (germline): Likely pathogenic (1 of 4 stars; one submission).

Conditions:
Usher syndrome type 1 (USH1). Also called: RETINITIS PIGMENTOSA AND CONGENITAL DEAFNESS. Identifiers: Orphanet 231169, Orphanet 886, MedGen C1568247, MONDO:0010168, OMIM 276900.

Submission:

Myriad Genetics, Inc.
Classification: Likely pathogenic for Usher syndrome type 1. Last evaluated: 2020-01-29. Review status: criteria provided, single submitter. Criteria: Myriad Women's Health Autosomal Recessive and X-Linked Classification Criteria (2019). Collection method: clinical testing. Allele origin: unknown.
Comment: NM_000260.3(MYO7A):c.2392C>T(Q798*) is expected to be pathogenic in the context of MYO7A-related disorders. This variant is predicted to lead to an abnormal or absent protein product due to the creation of a premature termination codon in MYO7A, a gene where loss-of-function variants are known to be pathogenic. Please note: this variant was assessed in the context of healthy population screening.

NM_000260.4(MYO7A):c.2392C>T (p.Gln798Ter)

Gene: MYO7A (myosin VIIA; plus strand). Cytogenetic location: 11q13.5.
Variant type: single nucleotide variant.
Coding change: c.2392C>T on transcript NM_000260.4 (MANE Select); coding-DNA position 2392, C replaced by T.
Protein change: p.Gln798Ter; replaces glutamine 798 with a stop codon.
Molecular consequence: nonsense.
Genome position (GRCh38, 1-based): chr11:77,179,759, C>T. VCF-style: chr11-77179759-C-T. GRCh37 (hg19) VCF-style: chr11-76890805-C-T.
Other names: c.2392C>T, p.Gln798Ter (NM_001127180.2); c.2359C>T, p.Gln787Ter (NM_001369365.1); short protein forms Q787*, Q798*.
Identifiers: ClinVar variation 983803 (VCV000983803.3), dbSNP rs1555082575, ClinGen allele CA381941468.
Genomic context (GRCh38, chr11:77,179,759, plus strand): 5'-CAGCAGGCTCTGAGCATGGGGTGGCTGTCCTTGCAGATGCGTCTGGGCTTCCTGCGGCTG[C>T]AGGCCCTGCACCGCTCCCGGAAGCTGCACCAGCAGTACCGCCTGGCCCGCCAGCGCATCA-3'